The following is an entry in ClinVar:

ClinVar aggregate classification (germline): Benign (1 of 4 stars; one submission).

gnomAD v4.1: 1,075 of 1,609,516 alleles (0.067%); highest among the groups gnomAD compares: South Asian, 1.1%; 22 homozygotes.

Submission:

CeGaT Center for Human Genetics Tuebingen
Classification: Benign. Last evaluated: 2026-06-01. Review status: criteria provided, single submitter. Criteria: CeGaT Center For Human Genetics Tuebingen Variant Classification Criteria Version 2. Collection method: clinical testing. Allele origin: germline. Affected: yes. Observed: 1 variant allele.
Comment: USP45: BS1, BS2

NM_001346022.3(USP45):c.701C>G (p.Ser234Ter)

Gene: USP45 (ubiquitin specific peptidase 45; minus strand). Cytogenetic location: 6q16.2.
Variant type: single nucleotide variant.
Coding change: c.701C>G on transcript NM_001346022.3 (MANE Select); coding-DNA position 701, C replaced by G.
Protein change: p.Ser234Ter; replaces serine 234 with a stop codon.
Molecular consequence: nonsense. On other transcripts: 5 prime UTR variant (3), non-coding transcript variant (5).
Genome position (GRCh38, 1-based): chr6:99,488,213, G>C on the plus strand (C>G on the coding strand, the complement: USP45 is on the minus strand). VCF-style: chr6-99488213-G-C. GRCh37 (hg19) VCF-style: chr6-99936089-G-C.
Other names: c.701C>G, p.Ser234Ter (NM_001080481.3, NM_001346021.3, NM_001346024.3 and 4 more transcripts); c.698C>G, p.Ser233Ter (NM_001346023.3, NM_001346025.3); c.-425C>G (NM_001346027.3, NM_001346029.3); c.-288C>G (NM_001346028.3); short protein forms S233*, S234*.
Identifiers: ClinVar variation 4872723 (VCV004872723.2).